The following is an entry in ClinVar:

ClinVar aggregate classification (germline): Uncertain significance (1 of 4 stars; one submission).

Conditions:
Charcot-Marie-Tooth disease axonal type 2O. Also called: CHARCOT-MARIE-TOOTH NEUROPATHY, AXONAL, TYPE 2O; CHARCOT-MARIE-TOOTH DISEASE, AXONAL, AUTOSOMAL DOMINANT, TYPE 2O; Charcot-Marie-Tooth Neuropathy Type 2O; Charcot-Marie-Tooth disease, axonal, type 20. Identifiers: Orphanet 284232, MedGen C3280220, MONDO:0013644, OMIM 614228.

Allele frequency attached by ClinVar (database versions not stated): ExAC 0.00001; gnomAD 0.00001; TOPMed 0.00003.
gnomAD v4.1: 1 of 1,614,000 alleles (0.000062%); highest among the groups gnomAD compares: African/African-American, 0.0013%; no homozygotes.

Submission:

Labcorp Genetics (formerly Invitae), Labcorp
Classification: Uncertain significance for Charcot-Marie-Tooth disease axonal type 2O. Last evaluated: 2022-10-17. Review status: criteria provided, single submitter. Criteria: Invitae Variant Classification Sherloc (09022015). Collection method: clinical testing. Allele origin: germline.
Comment: This variant is present in population databases (rs762699062, gnomAD 0.01%). This sequence change falls in intron 15 of the DYNC1H1 gene. It does not directly change the encoded amino acid sequence of the DYNC1H1 protein. It affects a nucleotide within the consensus splice site. This variant has not been reported in the literature in individuals affected with DYNC1H1-related conditions. In summary, the available evidence is currently insufficient to determine the role of this variant in disease. Therefore, it has been classified as a Variant of Uncertain Significance. Variants that disrupt the consensus splice site are a relatively common cause of aberrant splicing (PMID: 17576681, 9536098). Algorithms developed to predict the effect of sequence changes on RNA splicing suggest that this variant may create or strengthen a splice site.

Literature cited by the submitters: PubMed 17576681; PubMed 9536098.

NM_001376.5(DYNC1H1):c.3564+6C>G

Gene: DYNC1H1 (dynein cytoplasmic 1 heavy chain 1; plus strand). Cytogenetic location: 14q32.31.
Variant type: single nucleotide variant.
Coding change: c.3564+6C>G on transcript NM_001376.5 (MANE Select); 6 bases into the intron after coding-DNA position 3564, C replaced by G.
Molecular consequence: intron variant.
Genome position (GRCh38, 1-based): chr14:101,995,306, C>G. VCF-style: chr14-101995306-C-G. GRCh37 (hg19) VCF-style: chr14-102461643-C-G.
Identifiers: ClinVar variation 1986720 (VCV001986720.4), dbSNP rs762699062, ClinGen allele CA7352033.
Genomic context (GRCh38, chr14:101,995,306, plus strand): 5'-CACCTATGTGCAGTCTTTGAAACGGAAGATCAAGCAGTTTGAGAAGCAAGTTGAGGTGAG[C>G]TCTGTGCATATTTAAAAATTTTTGGCTGGGCGTGGTGGCTCACGCCTGTAATCCCAGCAC-3'